The following is an entry in ClinVar:

NM_001165963.4(SCN1A):c.1353_1354dup (p.Lys452fs)

Gene: SCN1A (sodium voltage-gated channel alpha subunit 1; minus strand). Cytogenetic location: 2q24.3.
Variant type: Duplication.
Coding change: c.1353_1354dup on transcript NM_001165963.4 (MANE Select); coding-DNA positions 1353 to 1354, 2 bases duplicated (TA; older notation c.1353_1354dupTA).
Protein change: p.Lys452fs; shifts the reading frame from lysine 452.
Molecular consequence: frameshift variant. On other transcripts: 5 prime UTR variant (1), non-coding transcript variant (1).
Genome position (GRCh38, 1-based): chr2:166,046,793-166,046,794, TA duplicated on the plus strand (TA on the coding strand, the reverse complement: SCN1A is on the minus strand). VCF-style (leftmost placement, unchanged base first): chr2-166046792-T-TTA. GRCh37 (hg19) VCF-style: chr2-166903302-T-TTA.
Other names: c.1353_1354dup, p.Lys452fs (NM_001165964.3, NM_001202435.3, NM_001353948.2 and 10 more transcripts); c.-1073_-1072dup (NM_001353961.2); short protein forms K452fs.
Identifiers: ClinVar variation 3363145 (VCV003363145.1).

ClinVar aggregate classification (germline): Pathogenic (1 of 4 stars; one submission).

Conditions:
Severe myoclonic epilepsy in infancy (DRVT). Also called: Dravet syndrome; Epileptic encephalopathy, early infantile, 6 (Dravet syndrome); SEVERE MYOCLONIC EPILEPSY OF INFANCY; DEVELOPMENTAL AND EPILEPTIC ENCEPHALOPATHY 6A; Severe Myoclonic Epilepsy in Infancy (SMEI). Identifiers: Orphanet 33069, MedGen C0751122, MONDO:0100135, OMIM 607208.

Submission:

Genomic Medicine Center of Excellence, King Faisal Specialist Hospital and Research Centre
Classification: Pathogenic for Severe myoclonic epilepsy in infancy. Last evaluated: 2024-10-13. Review status: criteria provided, single submitter. Criteria: ACMG Guidelines, 2015. Collection method: clinical testing. Allele origin: germline.
Comment: This sequence change creates a premature translational stop signal (GRCh38; NM_006920.6:c.1353_1354dup:p.Lys452IlefsTer39) in the SCN1A protein. This alteration is expected to result in loss of function by premature termination codon resulting in protein truncation, or nonsense-mediated mRNA decay. This alteration is interpreted as disease-causing mutation, a commonly known mechanism for disease. Not observed at significant frequency in large population cohorts (gnomAD). This variant has a strong Conservation score. This alteration is interpreted as disease-causing mutation, and known mechanism for disease.